The following is an entry in ClinVar:

NM_004656.4(BAP1):c.2116A>G (p.Ile706Val)

Gene: BAP1 (BRCA1 associated deubiquitinase 1; minus strand). Cytogenetic location: 3p21.1.
Variant type: single nucleotide variant.
Coding change: c.2116A>G on transcript NM_004656.4 (MANE Select); coding-DNA position 2116, A replaced by G.
Protein change: p.Ile706Val; replaces isoleucine 706 with valine.
Molecular consequence: missense variant.
Genome position (GRCh38, 1-based): chr3:52,402,362, T>C on the plus strand (A>G on the coding strand, the complement: BAP1 is on the minus strand). VCF-style: chr3-52402362-T-C. GRCh37 (hg19) VCF-style: chr3-52436378-T-C.
Other names: c.2116A>G (NM_004656.2); short protein forms I706V.
Identifiers: ClinVar variation 1431596 (VCV001431596.7), dbSNP rs1433920975, ClinGen allele CA353094281.

ClinVar aggregate classification (germline): Uncertain significance. Review status: criteria provided, multiple submitters, no conflicts (2 of 4 stars). 3 submissions from 3 submitters: Uncertain significance (3). Last evaluated 2025-12-21.

Conditions:
BAP1-related tumor predisposition syndrome (TPDS1). Also called: BAP1 tumor predisposition syndrome; TUMOR PREDISPOSITION SYNDROME 1; COMMON Syndrome; Tumor susceptibility linked to germline BAP1 mutations. Identifiers: Orphanet 289539, MedGen C3280492, MONDO:0013692, OMIM 614327.
Hereditary cancer-predisposing syndrome. Also called: Hereditary Cancer Syndrome; Hereditary neoplastic syndrome; Neoplastic Syndromes, Hereditary; Tumor predisposition. Identifiers: Orphanet 140162, MedGen C0027672, MeSH D009386, MONDO:0015356.

Allele frequency attached by ClinVar (database versions not stated): gnomAD 0.00001.

Submissions (3):

Labcorp Genetics (formerly Invitae), Labcorp
Classification: Uncertain significance for BAP1-related tumor predisposition syndrome. Last evaluated: 2025-12-21. Review status: criteria provided, single submitter. Criteria: Invitae Variant Classification Sherloc (09022015). Collection method: clinical testing. Allele origin: germline.
Comment: This sequence change replaces isoleucine, which is neutral and non-polar, with valine, which is neutral and non-polar, at codon 706 of the BAP1 protein (p.Ile706Val). This variant is present in population databases (no rsID available, gnomAD 0.06%). This missense change has been observed in individual(s) with acute myeloid leukemia and congenital anomalies (PMID: 29351919). ClinVar contains an entry for this variant (Variation ID: 1431596). Invitae Evidence Modeling of protein sequence and biophysical properties (such as structural, functional, and spatial information, amino acid conservation, physicochemical variation, residue mobility, and thermodynamic stability) indicates that this missense variant is not expected to disrupt BAP1 protein function with a negative predictive value of 80%. In summary, the available evidence is currently insufficient to determine the role of this variant in disease. Therefore, it has been classified as a Variant of Uncertain Significance.

Ambry Genetics
Classification: Uncertain significance for Hereditary cancer-predisposing syndrome. Last evaluated: 2024-06-13. Review status: criteria provided, single submitter. Criteria: Ambry Variant Classification Scheme 2023. Collection method: clinical testing. Allele origin: germline.
Comment: The p.I706V variant (also known as c.2116A>G), located in coding exon 17 of the BAP1 gene, results from an A to G substitution at nucleotide position 2116. The isoleucine at codon 706 is replaced by valine, an amino acid with highly similar properties. This amino acid position is highly conserved in available vertebrate species. In addition, this alteration is predicted to be tolerated by in silico analysis. Based on the available evidence, the clinical significance of this variant remains unclear.

Color Diagnostics, LLC DBA Color Health
Classification: Uncertain significance for Hereditary cancer-predisposing syndrome. Last evaluated: 2022-03-07. Review status: criteria provided, single submitter. Criteria: ACMG Guidelines, 2015. Collection method: clinical testing. Allele origin: germline.
Comment: This missense variant replaces isoleucine with valine at codon 706 of the BAP1 protein. Computational prediction suggests that this variant may not impact protein structure and function (internally defined REVEL score threshold <= 0.5, PMID: 27666373). To our knowledge, functional studies have not been reported for this variant. This variant has not been reported in individuals affected with hereditary cancer in the literature. This variant has been identified in 1/31382 chromosomes in the general population by the Genome Aggregation Database (gnomAD). The available evidence is insufficient to determine the role of this variant in disease conclusively. Therefore, this variant is classified as a Variant of Uncertain Significance.

Literature cited by the submitters: PubMed 29351919 (cited by Labcorp Genetics (formerly Invitae), Labcorp).